The following is an entry in ClinVar:

ClinVar aggregate classification (germline): Uncertain significance. Review status: criteria provided, multiple submitters, no conflicts (2 of 4 stars). 4 submissions from 4 submitters: Uncertain significance (4). Last evaluated 2025-11-25.

Conditions:
Ellis-van Creveld syndrome (EVC). Also called: MESOECTODERMAL DYSPLASIA; EVC-Related Ellis-van Creveld Syndrome; EVC2-Related Ellis-van Creveld Syndrome; Chondroectodermal dysplasia. Identifiers: Orphanet 289, MedGen C0013903, MONDO:0009162, OMIM 225500.
Curry-Hall syndrome (WAD). Also called: WEYERS ACRODENTAL DYSOSTOSIS. Identifiers: Orphanet 952, MedGen C0457013, MONDO:0008673, OMIM 193530.
Inborn genetic diseases. Identifiers: MedGen C0950123, MeSH D030342.

Allele frequency attached by ClinVar (database versions not stated): gnomAD exomes 0.00001; ExAC 0.00003; ESP Exome Variant Server 0.00008.
gnomAD v4.1: 25 of 1,613,458 alleles (0.0015%); highest among the groups gnomAD compares: Middle Eastern, 0.033%; no homozygotes.

Submissions (4):

Ambry Genetics
Classification: Uncertain significance for Inborn genetic diseases. Last evaluated: 2025-11-25. Review status: criteria provided, single submitter. Criteria: Ambry Variant Classification Scheme 2023. Collection method: clinical testing. Allele origin: germline.

Women's Health and Genetics/Laboratory Corporation of America, LabCorp
Classification: Uncertain significance. Last evaluated: 2023-03-30. Review status: criteria provided, single submitter. Criteria: LabCorp Variant Classification Summary - May 2015. Collection method: clinical testing. Allele origin: germline.
Comment: Variant summary: EVC2 c.2059C>T (p.Arg687Cys) results in a non-conservative amino acid change in the encoded protein sequence. Five of five in-silico tools predict a damaging effect of the variant on protein function. The variant allele was found at a frequency of 2e-05 in 248444 control chromosomes (gnomAD). The available data on variant occurrences in the general population are insufficient to allow any conclusion about variant significance. To our knowledge, no occurrence of c.2059C>T in individuals affected with Ellis-van Creveld syndrome and no experimental evidence demonstrating its impact on protein function have been reported. Two ClinVar submitters have assessed the variant since 2014: both classified the variant as uncertain significance. Based on the evidence outlined above, the variant was classified as uncertain significance.

Revvity Omics, Revvity
Classification: Uncertain significance. Last evaluated: 2022-12-08. Review status: criteria provided, single submitter. Criteria: ACMG Guidelines, 2015. Collection method: clinical testing. Allele origin: germline.

Labcorp Genetics (formerly Invitae), Labcorp
Classification: Uncertain significance for Curry-Hall syndrome; Ellis-van Creveld syndrome. Last evaluated: 2021-08-31. Review status: criteria provided, single submitter. Criteria: Invitae Variant Classification Sherloc (09022015). Collection method: clinical testing. Allele origin: germline.
Comment: This sequence change replaces arginine with cysteine at codon 687 of the EVC2 protein (p.Arg687Cys). The arginine residue is moderately conserved and there is a large physicochemical difference between arginine and cysteine. This variant is present in population databases (rs368851256, ExAC 0.01%). This variant has not been reported in the literature in individuals affected with EVC2-related conditions. Algorithms developed to predict the effect of missense changes on protein structure and function are either unavailable or do not agree on the potential impact of this missense change (SIFT: "Deleterious"; PolyPhen-2: "Probably Damaging"; Align-GVGD: "Class C0"). In summary, the available evidence is currently insufficient to determine the role of this variant in disease. Therefore, it has been classified as a Variant of Uncertain Significance.

NM_147127.5(EVC2):c.2059C>T (p.Arg687Cys)

Gene: EVC2 (EvC ciliary complex subunit 2; minus strand). Cytogenetic location: 4p16.2.
Variant type: single nucleotide variant.
Coding change: c.2059C>T on transcript NM_147127.5 (MANE Select); coding-DNA position 2059, C replaced by T.
Protein change: p.Arg687Cys; replaces arginine 687 with cysteine.
Molecular consequence: missense variant.
Genome position (GRCh38, 1-based): chr4:5,622,979, G>A on the plus strand (C>T on the coding strand, the complement: EVC2 is on the minus strand). VCF-style: chr4-5622979-G-A. GRCh37 (hg19) VCF-style: chr4-5624706-G-A.
Other names: c.2059C>T (NM_147127.4); c.1819C>T, p.Arg607Cys (NM_001166136.2); short protein forms R607C, R687C.
Identifiers: ClinVar variation 2047863 (VCV002047863.6), dbSNP rs368851256, ClinGen allele CA2834823.